The following is an entry in ClinVar:

ClinVar aggregate classification (germline): Uncertain significance. Review status: criteria provided, multiple submitters, no conflicts (2 of 4 stars). 2 submissions from 2 submitters: Uncertain significance (2). Last evaluated 2023-10-27.

Conditions:
Hereditary cancer-predisposing syndrome. Also called: Hereditary neoplastic syndrome; Hereditary Cancer Syndrome; Neoplastic Syndromes, Hereditary; Tumor predisposition. Identifiers: Orphanet 140162, MedGen C0027672, MeSH D009386, MONDO:0015356.
DICER1-related tumor predisposition. Also called: DICER1-related pleuropulmonary blastoma cancer predisposition syndrome; DICER1 syndrome. Identifiers: Orphanet 284343, MedGen C3839822, MONDO:0100216.

Submissions (2):

Ambry Genetics
Classification: Uncertain significance for Hereditary cancer-predisposing syndrome. Last evaluated: 2023-10-27. Review status: criteria provided, single submitter. Criteria: Ambry Variant Classification Scheme 2023. Collection method: clinical testing. Allele origin: germline.
Comment: The p.A308T variant (also known as c.922G>A), located in coding exon 7 of the DICER1 gene, results from a G to A substitution at nucleotide position 922. The alanine at codon 308 is replaced by threonine, an amino acid with similar properties. This amino acid position is conserved. In addition, this alteration is predicted to be tolerated by in silico analysis. Since supporting evidence is limited at this time, the clinical significance of this alteration remains unclear.

Labcorp Genetics (formerly Invitae), Labcorp
Classification: Uncertain significance for DICER1-related tumor predisposition. Last evaluated: 2023-08-28. Review status: criteria provided, single submitter. Criteria: Invitae Variant Classification Sherloc (09022015). Collection method: clinical testing. Allele origin: germline.
Comment: This sequence change replaces alanine, which is neutral and non-polar, with threonine, which is neutral and polar, at codon 308 of the DICER1 protein (p.Ala308Thr). This variant is not present in population databases (gnomAD no frequency). In summary, the available evidence is currently insufficient to determine the role of this variant in disease. Therefore, it has been classified as a Variant of Uncertain Significance. Advanced modeling of protein sequence and biophysical properties (such as structural, functional, and spatial information, amino acid conservation, physicochemical variation, residue mobility, and thermodynamic stability) performed at Invitae indicates that this missense variant is not expected to disrupt DICER1 protein function. This variant has not been reported in the literature in individuals affected with DICER1-related conditions.

NM_177438.3(DICER1):c.922G>A (p.Ala308Thr)

Gene: DICER1 (dicer 1, ribonuclease III; minus strand). Cytogenetic location: 14q32.13.
Variant type: single nucleotide variant.
Coding change: c.922G>A on transcript NM_177438.3 (MANE Select); coding-DNA position 922, G replaced by A.
Protein change: p.Ala308Thr; replaces alanine 308 with threonine.
Molecular consequence: missense variant. On other transcripts: non-coding transcript variant (6), 5 prime UTR variant (1).
Genome position (GRCh38, 1-based): chr14:95,124,650, C>T on the plus strand (G>A on the coding strand, the complement: DICER1 is on the minus strand). VCF-style: chr14-95124650-C-T. GRCh37 (hg19) VCF-style: chr14-95590987-C-T.
Other names: c.922G>A, p.Ala308Thr (NM_001195573.1, NM_001271282.3, NM_001291628.2 and 15 more transcripts); c.640G>A, p.Ala214Thr (NM_001395686.1); c.517G>A, p.Ala173Thr (NM_001395687.1, NM_001395688.1, NM_001395689.1 and 3 more transcripts); c.355G>A, p.Ala119Thr (NM_001395691.1); c.-647G>A (NM_001395697.1); short protein forms A119T, A214T, A308T, A173T.
Identifiers: ClinVar variation 2869216 (VCV002869216.4), dbSNP rs1047347414, ClinGen allele CA265923551.